The following is an entry in ClinVar:

NM_001243133.2(NLRP3):c.1872C>A (p.Ser624Arg)

Gene: NLRP3 (NLR family pyrin domain containing 3; plus strand). Cytogenetic location: 1q44.
Variant type: single nucleotide variant.
Coding change: c.1872C>A on transcript NM_001243133.2 (MANE Select); coding-DNA position 1872, C replaced by A.
Protein change: p.Ser624Arg; replaces serine 624 with arginine.
Molecular consequence: missense variant.
Genome position (GRCh38, 1-based): chr1:247,425,321, C>A. VCF-style: chr1-247425321-C-A. GRCh37 (hg19) VCF-style: chr1-247588623-C-A.
Other names: c.1872C>A, p.Ser624Arg (NM_001079821.3, NM_001127461.3, NM_001127462.3 and 1 more transcripts); c.1878C>A, p.Ser626Arg (NM_004895.5); short protein forms S624R, S626R.
Identifiers: ClinVar variation 3373403 (VCV003373403.1).

ClinVar aggregate classification (germline): Uncertain significance (1 of 4 stars; one submission).

Submission:

GeneDx
Classification: Uncertain significance. Last evaluated: 2024-05-03. Review status: criteria provided, single submitter. Criteria: GeneDx Variant Classification Process June 2021. Collection method: clinical testing. Allele origin: germline. Affected: yes.
Comment: Not observed at significant frequency in large population cohorts (gnomAD); In silico analysis indicates that this missense variant does not alter protein structure/function; Has not been previously published as pathogenic or benign to our knowledge; Also known as p.(S624R); This variant is associated with the following publications: (PMID: 35720340)